The following is an entry in ClinVar:

ClinVar aggregate classification (germline): Pathogenic (1 of 4 stars; one submission).

Conditions:
Perrault syndrome 3 (PRLTS3). Identifiers: Orphanet 2855, MedGen C3808414, MONDO:0013588, OMIM 614129.

Submission:

Institute of Rare Diseases, West China Hospital, Sichuan University
Classification: Pathogenic for Perrault syndrome 3. Last evaluated: 2025-01-09. Review status: criteria provided, single submitter. Criteria: ClinGen HL ACMG Specifications v1. Collection method: research. Allele origin: germline. Affected: yes.
Comment: PVS1;PP1;PM2_Supporting

NM_006012.4(CLPP):c.661G>T (p.Glu221Ter)

Gene: CLPP (caseinolytic mitochondrial matrix peptidase proteolytic subunit; plus strand). Cytogenetic location: 19p13.3.
Variant type: single nucleotide variant.
Coding change: c.661G>T on transcript NM_006012.4 (MANE Select); coding-DNA position 661, G replaced by T.
Protein change: p.Glu221Ter; replaces glutamic acid 221 with a stop codon.
Molecular consequence: nonsense.
Genome position (GRCh38, 1-based): chr19:6,366,363, G>T. VCF-style: chr19-6366363-G-T. GRCh37 (hg19) VCF-style: chr19-6366374-G-T.
Other names: short protein forms E221*.
Identifiers: ClinVar variation 3601044 (VCV003601044.1).
Genomic context (GRCh38, chr19:6,366,363, plus strand): 5'-CTCAAGAAGCAGCTCTATAACATCTACGCCAAGCACACCAAACAGAGCCTGCAGGTGATC[G>T]GTAAGCACCCTCCTTTATTTCATCCTGGTCCGTGCACAGACGGACCAGGCGTTGCTCTAA-3'